The following is an entry in ClinVar:

NM_014363.6(SACS):c.10543G>T (p.Glu3515Ter)

Gene: SACS (sacsin molecular chaperone; minus strand). Cytogenetic location: 13q12.12.
Variant type: single nucleotide variant.
Coding change: c.10543G>T on transcript NM_014363.6 (MANE Select); coding-DNA position 10543, G replaced by T.
Protein change: p.Glu3515Ter; replaces glutamic acid 3515 with a stop codon.
Molecular consequence: nonsense.
Genome position (GRCh38, 1-based): chr13:23,333,333, C>A on the plus strand (G>T on the coding strand, the complement: SACS is on the minus strand). VCF-style: chr13-23333333-C-A. GRCh37 (hg19) VCF-style: chr13-23907472-C-A.
Other names: c.10102G>T, p.Glu3368Ter (NM_001278055.2); short protein forms E3368*, E3515*.
Identifiers: ClinVar variation 1996665 (VCV001996665.4), dbSNP rs767888884, ClinGen allele CA387511975.
Genomic context (GRCh38, chr13:23,333,333, plus strand): 5'-TTAGTCTACTGTTAGCATCATGGATTATCAATAAACTTTCCAGTTTTTCAAAAAGTTGTT[C>A]CTTAATCTCTGATAATTCCTCAGCACTTGATAATCTATTCTTAAGGTAGATCAAGTGCTC-3'

ClinVar aggregate classification (germline): Pathogenic (1 of 4 stars; one submission).

Conditions:
Spastic paraplegia. Identifiers: MedGen C0037772, HP:0001258.

Submission:

Labcorp Genetics (formerly Invitae), Labcorp
Classification: Pathogenic for Spastic paraplegia. Last evaluated: 2022-05-20. Review status: criteria provided, single submitter. Criteria: Invitae Variant Classification Sherloc (09022015). Collection method: clinical testing. Allele origin: germline.
Comment: This sequence change creates a premature translational stop signal (p.Glu3515*) in the SACS gene. While this is not anticipated to result in nonsense mediated decay, it is expected to disrupt the last 1065 amino acid(s) of the SACS protein. This variant is not present in population databases (gnomAD no frequency). This variant has not been reported in the literature in individuals affected with SACS-related conditions. This variant disrupts a region of the SACS protein in which other variant(s) (p.Asn4549Asp) have been determined to be pathogenic (PMID: 15156359, 21507954). This suggests that this is a clinically significant region of the protein, and that variants that disrupt it are likely to be disease-causing. For these reasons, this variant has been classified as Pathogenic.

Literature cited by the submitters: PubMed 15156359; PubMed 21507954.